The following is an entry in ClinVar:

NM_001166108.2(PALLD):c.1485A>C (p.Arg495Ser)

Gene: PALLD (palladin, cytoskeletal associated protein; plus strand). Cytogenetic location: 4q32.3.
Variant type: single nucleotide variant.
Coding change: c.1485A>C on transcript NM_001166108.2 (MANE Select); coding-DNA position 1485, A replaced by C.
Protein change: p.Arg495Ser; replaces arginine 495 with serine.
Molecular consequence: missense variant.
Genome position (GRCh38, 1-based): chr4:168,691,276, A>C. VCF-style: chr4-168691276-A-C. GRCh37 (hg19) VCF-style: chr4-169612427-A-C.
Other names: c.339A>C, p.Arg113Ser (NM_001166109.2); c.1485A>C, p.Arg495Ser (NM_016081.4); short protein forms R495S, R113S.
Identifiers: ClinVar variation 3304094 (VCV003304094.1).

ClinVar aggregate classification (germline): Uncertain significance (1 of 4 stars; one submission).

Submission:

Ambry Genetics
Classification: Uncertain significance. Last evaluated: 2024-05-23. Review status: criteria provided, single submitter. Criteria: Ambry Variant Classification Scheme 2023. Collection method: clinical testing. Allele origin: germline.
Comment: The p.R495S variant (also known as c.1485A>C), located in coding exon 7 of the PALLD gene, results from an A to C substitution at nucleotide position 1485. The arginine at codon 495 is replaced by serine, an amino acid with dissimilar properties. This amino acid position is conserved. In addition, the in silico prediction for this alteration is inconclusive. Based on the available evidence, the clinical significance of this variant remains unclear.